The following is an entry in ClinVar:

ClinVar aggregate classification (germline): Uncertain significance (1 of 4 stars; one submission).

Submission:

GeneDx
Classification: Uncertain significance. Last evaluated: 2024-01-30. Review status: criteria provided, single submitter. Criteria: GeneDx Variant Classification Process June 2021. Collection method: clinical testing. Allele origin: germline. Affected: yes.
Comment: Has not been previously published as pathogenic or benign to our knowledge; Not observed at significant frequency in large population cohorts (gnomAD); In silico analysis supports that this missense variant has a deleterious effect on protein structure/function

NM_003242.6(TGFBR2):c.697A>G (p.Asn233Asp)

Gene: TGFBR2 (transforming growth factor beta receptor 2; plus strand). Cytogenetic location: 3p24.1.
Variant type: single nucleotide variant.
Coding change: c.697A>G on transcript NM_003242.6 (MANE Select); coding-DNA position 697, A replaced by G.
Protein change: p.Asn233Asp; replaces asparagine 233 with aspartic acid.
Molecular consequence: missense variant. On other transcripts: intron variant (1).
Genome position (GRCh38, 1-based): chr3:30,671,880, A>G. VCF-style: chr3-30671880-A-G. GRCh37 (hg19) VCF-style: chr3-30713372-A-G.
Other names: c.772A>G, p.Asn258Asp (NM_001024847.3); c.880A>G, p.Asn294Asp (NM_001407126.1); c.805A>G, p.Asn269Asp (NM_001407127.1); c.724A>G, p.Asn242Asp (NM_001407128.1); c.700A>G, p.Asn234Asp (NM_001407129.1); c.697A>G, p.Asn233Asp (NM_001407130.1); c.592A>G, p.Asn198Asp (NM_001407132.1, NM_001407133.1, NM_001407134.1 and 2 more transcripts); c.412A>G, p.Asn138Asp (NM_001407137.1); and 2 more; short protein forms N113D, N138D, N198D, N233D, N234D, N242D, N258D, N269D.
Identifiers: ClinVar variation 3340254 (VCV003340254.1).
Genomic context (GRCh38, chr3:30,671,880, plus strand): 5'-AGCGAGCACTGTGCCATCATCCTGGAAGATGACCGCTCTGACATCAGCTCCACGTGTGCC[A>G]ACAACATCAACCACAACACAGAGCTGCTGCCCATTGAGCTGGACACCCTGGTGGGGAAAG-3'
Protein context (NP_003233.4, residues 223-243): DRSDISSTCA[Asn233Asp]NINHNTELLP